The following is an entry in ClinVar:

NM_001135649.3(FOXI3):c.1244del (p.Arg415fs)

Gene: FOXI3 (forkhead box I3; minus strand). Cytogenetic location: 2p11.2.
Variant type: Deletion.
Coding change: c.1244del on transcript NM_001135649.3 (MANE Select); coding-DNA position 1244, one base deleted (G; older notation c.1244delG).
Protein change: p.Arg415fs; shifts the reading frame from arginine 415.
Molecular consequence: frameshift variant.
Genome position (GRCh38, 1-based): chr2:88,448,226, C deleted on the plus strand (G on the coding strand, the reverse complement: FOXI3 is on the minus strand). VCF-style (leftmost placement, unchanged base first): chr2-88448225-TC-T. GRCh37 (hg19) VCF-style: chr2-88747744-TC-T.
Other names: short protein forms R415fs.
Identifiers: ClinVar variation 3663523 (VCV003663523.2).

ClinVar aggregate classification (germline): Uncertain significance (1 of 4 stars; one submission).

Submission:

Labcorp Genetics (formerly Invitae), Labcorp
Classification: Uncertain significance. Last evaluated: 2024-09-03. Review status: criteria provided, single submitter. Criteria: Invitae Variant Classification Sherloc (09022015). Collection method: clinical testing. Allele origin: germline.
Comment: This sequence change results in a frameshift in the FOXI3 gene (p.Arg415Glnfs*13). While this is not anticipated to result in nonsense mediated decay, it is expected to disrupt the last 6 amino acid(s) of the FOXI3 protein and extend the protein by 6 additional amino acid residues. This variant is not present in population databases (gnomAD no frequency). This variant has not been reported in the literature in individuals affected with FOXI3-related conditions. In summary, the available evidence is currently insufficient to determine the role of this variant in disease. Therefore, it has been classified as a Variant of Uncertain Significance.